The following is an entry in ClinVar:

NM_022042.4(SLC26A1):c.1231C>T (p.Arg411Trp)

Genes: IDUA (alpha-L-iduronidase; plus strand), SLC26A1 (solute carrier family 26 member 1; minus strand). Cytogenetic location: 4p16.3.
Variant type: single nucleotide variant.
Coding change: c.1231C>T on transcript NM_022042.4 (MANE Select); coding-DNA position 1231, C replaced by T.
Protein change: p.Arg411Trp; replaces arginine 411 with tryptophan.
Molecular consequence: missense variant. On other transcripts: intron variant (2).
Genome position (GRCh38, 1-based): chr4:989,708, G>A on the plus strand (C>T on the coding strand, the complement: SLC26A1 is on the minus strand). VCF-style: chr4-989708-G-A. GRCh37 (hg19) VCF-style: chr4-983496-G-A.
Other names: c.1231C>T, p.Arg411Trp (NM_213613.4); c.576+1420C>T (NM_134425.4); c.299+1759G>A (NM_000203.5); short protein forms R411W.
Identifiers: ClinVar variation 1028745 (VCV001028745.5), dbSNP rs554753768, ClinGen allele CA2801436.
Genomic context (GRCh38, chr4:989,708, plus strand): 5'-CCAGCGCCAGCAGCACCAGCAGCACCACGGTGGCGCTGACCACGCTGGACAGCTGTGTCC[G>A]GCAGCCAGTGGCTGTCTTCACCAGGCTCTTGGCCAGGGCGGCGCTGGTGGCGAAGCAGTG-3'
Protein context (NP_071325.2, residues 401-421): KSLVKTATGC[Arg411Trp]TQLSSVVSAT

ClinVar aggregate classification (germline): Uncertain significance. Review status: criteria provided, multiple submitters, no conflicts (2 of 4 stars). 3 submissions from 3 submitters: Uncertain significance (3). Last evaluated 2025-05-13.

Conditions:
Nephrolithiasis, calcium oxalate. Also called: Calcium oxalate urolithiasis. Identifiers: MedGen C1833683, MONDO:0957318, HP:0008672.

Allele frequency attached by ClinVar (database versions not stated): gnomAD exomes 0.00004 and 0.00006; TOPMed 0.00004; gnomAD 0.00006; ExAC 0.00011; 1000 Genomes Project 30x 0.00031; 1000 Genomes Project 0.00040.
gnomAD v4.1: 62 of 1,558,532 alleles (0.004%); highest among the groups gnomAD compares: African/African-American, 0.0068%; no homozygotes.

Submissions (3):

Labcorp Genetics (formerly Invitae), Labcorp
Classification: Uncertain significance. Last evaluated: 2025-05-13. Review status: criteria provided, single submitter. Criteria: Invitae Variant Classification Sherloc (09022015). Collection method: clinical testing. Allele origin: germline.
Comment: This sequence change replaces arginine, which is basic and polar, with tryptophan, which is neutral and slightly polar, at codon 411 of the SLC26A1 protein (p.Arg411Trp). This variant is present in population databases (rs554753768, gnomAD 0.02%). This variant has not been reported in the literature in individuals affected with SLC26A1-related conditions. ClinVar contains an entry for this variant (Variation ID: 1028745). Invitae Evidence Modeling of protein sequence and biophysical properties (such as structural, functional, and spatial information, amino acid conservation, physicochemical variation, residue mobility, and thermodynamic stability) indicates that this missense variant is not expected to disrupt SLC26A1 protein function with a negative predictive value of 80%. In summary, the available evidence is currently insufficient to determine the role of this variant in disease. Therefore, it has been classified as a Variant of Uncertain Significance.

Fulgent Genetics
Classification: Uncertain significance for Nephrolithiasis susceptibility caused by SLC26A1. Last evaluated: 2021-08-02. Review status: criteria provided, single submitter. Criteria: ACMG Guidelines, 2015. Collection method: clinical testing. Allele origin: unknown.

Baylor Genetics
Classification: Uncertain significance for Nephrolithiasis susceptibility caused by SLC26A1. Last evaluated: 2019-12-02. Review status: criteria provided, single submitter. Criteria: ACMG Guidelines, 2015. Collection method: clinical testing. Allele origin: unknown. Affected: yes.
Comment: This variant was determined to be of uncertain significance according to ACMG Guidelines, 2015 [PMID:25741868].